The following is an entry in ClinVar:

ClinVar aggregate classification (germline): Uncertain significance (1 of 4 stars; one submission).

Allele frequency attached by ClinVar (database versions not stated): gnomAD exomes below 0.00001; ExAC 0.00001.
gnomAD v4.1: 1 of 1,614,166 alleles (0.000062%); highest among the groups gnomAD compares: Non-Finnish European, 0.000085%; no homozygotes.

Submission:

Labcorp Genetics (formerly Invitae), Labcorp
Classification: Uncertain significance. Last evaluated: 2022-03-22. Review status: criteria provided, single submitter. Criteria: Invitae Variant Classification Sherloc (09022015). Collection method: clinical testing. Allele origin: germline.
Comment: In summary, the available evidence is currently insufficient to determine the role of this variant in disease. Therefore, it has been classified as a Variant of Uncertain Significance. Algorithms developed to predict the effect of sequence changes on RNA splicing suggest that this variant may disrupt the consensus splice site. Algorithms developed to predict the effect of missense changes on protein structure and function (SIFT, PolyPhen-2, Align-GVGD) all suggest that this variant is likely to be tolerated. This variant has not been reported in the literature in individuals affected with GSN-related conditions. This variant is present in population databases (rs777717306, gnomAD no frequency). This sequence change replaces serine, which is neutral and polar, with asparagine, which is neutral and polar, at codon 51 of the GSN protein (p.Ser51Asn).

NM_198252.3(GSN):c.-2G>A

Gene: GSN (gelsolin; plus strand). Cytogenetic location: 9q33.2.
Variant type: single nucleotide variant.
Coding change: c.-2G>A on transcript NM_198252.3 (MANE Select); 2 bases upstream of the start codon, G replaced by A.
Molecular consequence: 5 prime UTR variant. On other transcripts: missense variant (21), splice acceptor variant (4), intron variant (1).
Genome position (GRCh38, 1-based): chr9:121,301,970, G>A. VCF-style: chr9-121301970-G-A. GRCh37 (hg19) VCF-style: chr9-124064248-G-A.
Other names: c.152G>A, p.Ser51Asn (NM_000177.5); c.-2G>A (NM_001127662.2, NM_001127664.2, NM_001127665.2 and 6 more transcripts); c.107G>A, p.Ser36Asn (NM_001127663.2); c.32G>A, p.Ser11Asn (NM_001127666.2, NM_001127667.2, NM_001353063.2 and 13 more transcripts); c.50G>A, p.Ser17Asn (NM_001258029.2); c.23G>A, p.Ser8Asn (NM_001258030.2); c.71G>A, p.Ser24Asn (NM_001353076.2); c.-1-1G>A (NM_001353058.2, NM_001353059.2, NM_001353056.2 and 1 more transcripts); and 1 more; short protein forms S17N, S51N, S11N, S24N, S8N, S36N.
Identifiers: ClinVar variation 1472409 (VCV001472409.8), dbSNP rs777717306, ClinGen allele CA5220737.